The following is an entry in ClinVar:

ClinVar aggregate classification (germline): Uncertain significance. Review status: criteria provided, single submitter (1 of 4 stars). 2 submissions from 2 submitters: Uncertain significance (1). 1 of the submissions does not count toward it. Last evaluated 2022-06-13.

Conditions:
BBS2-related disorder. Also called: BBS2-related disorders; BBS2-related condition. Identifiers: MedGen CN239228.
Bardet-Biedl syndrome (BBS). Identifiers: Orphanet 110, MedGen C0752166, MONDO:0015229.

gnomAD v4.1: 4 of 1,613,932 alleles (0.00025%); highest among the groups gnomAD compares: African/African-American, 0.0053%; no homozygotes.

Submissions (2):

Labcorp Genetics (formerly Invitae), Labcorp
Classification: Uncertain significance for Bardet-Biedl syndrome. Last evaluated: 2022-06-13. Review status: criteria provided, single submitter. Criteria: Invitae Variant Classification Sherloc (09022015). Collection method: clinical testing. Allele origin: germline.
Comment: This sequence change replaces tyrosine, which is neutral and polar, with phenylalanine, which is neutral and non-polar, at codon 658 of the BBS2 protein (p.Tyr658Phe). This variant is present in population databases (no rsID available, gnomAD 0.01%). This variant has not been reported in the literature in individuals affected with BBS2-related conditions. Algorithms developed to predict the effect of missense changes on protein structure and function are either unavailable or do not agree on the potential impact of this missense change (SIFT: "Tolerated"; PolyPhen-2: "Possibly Damaging"; Align-GVGD: "Class C0"). In summary, the available evidence is currently insufficient to determine the role of this variant in disease. Therefore, it has been classified as a Variant of Uncertain Significance.

PreventionGenetics, part of Exact Sciences
Classification: Uncertain significance for BBS2-related condition. Last evaluated: 2024-01-19. Review status: no assertion criteria provided. Collection method: clinical testing. Allele origin: germline. Not counted in ClinVar's aggregate classification.
Comment: The BBS2 c.1973A>T variant is predicted to result in the amino acid substitution p.Tyr658Phe. To our knowledge, this variant has not been reported in the literature. This variant is reported in 0.012% of alleles in individuals of African descent in gnomAD. At this time, the clinical significance of this variant is uncertain due to the absence of conclusive functional and genetic evidence.

NM_031885.5(BBS2):c.1973A>T (p.Tyr658Phe)

Gene: BBS2 (Bardet-Biedl syndrome 2; minus strand). Cytogenetic location: 16q13.
Variant type: single nucleotide variant.
Coding change: c.1973A>T on transcript NM_031885.5 (MANE Select); coding-DNA position 1973, A replaced by T.
Protein change: p.Tyr658Phe; replaces tyrosine 658 with phenylalanine.
Molecular consequence: missense variant. On other transcripts: non-coding transcript variant (5).
Genome position (GRCh38, 1-based): chr16:56,485,676, T>A on the plus strand (A>T on the coding strand, the complement: BBS2 is on the minus strand). VCF-style: chr16-56485676-T-A. GRCh37 (hg19) VCF-style: chr16-56519588-T-A.
Other names: c.1973A>T, p.Tyr658Phe (NM_001377456.1); c.1973A>T (NM_031885.3); short protein forms Y658F.
Identifiers: ClinVar variation 1495804 (VCV001495804.4), dbSNP rs753656568, ClinGen allele CA395973404.
Genomic context (GRCh38, chr16:56,485,676, plus strand): 5'-GCTTGATTTACTGCTTTGAGGTTTCCCAACAGCTCTGTGTGATTGTTACAGCGAATTTTA[T>A]ATCCATTTAGCAAGTCTCTATTAAGGTCATAGAGTTCCATATAACGACTCTTCATTGTTT-3'
Protein context (NP_114091.4, residues 648-668): YDLNRDLLNG[Tyr658Phe]KIRCNNHTEL